The following is an entry in ClinVar:

ClinVar aggregate classification (germline): Benign/Likely benign. Review status: criteria provided, multiple submitters, no conflicts (2 of 4 stars). 25 submissions from 18 submitters: Benign (15); Likely benign (7). 3 of the submissions do not count toward it. Last evaluated 2026-02-03.

Conditions:
TTN-related disorder. Also called: TTN-related condition; TTN-related disease; TTN-related disorders.
Cardiovascular phenotype. Identifiers: MedGen CN230736.
Autosomal recessive limb-girdle muscular dystrophy type 2J (LGMDR10). Also called: Limb-girdle muscular dystrophy, type 2J; MUSCULAR DYSTROPHY, LIMB-GIRDLE, AUTOSOMAL RECESSIVE 10. Identifiers: Orphanet 140922, MedGen C1837342, MONDO:0012127, OMIM 608807.
Dilated cardiomyopathy 1G (CMD1G). Identifiers: Orphanet 154, MedGen C1858763, MONDO:0011400, OMIM 604145.
Cardiomyopathy (CMYO). Also called: Cardiomyopathies. Identifiers: Orphanet 167848, MedGen C0878544, MONDO:0004994, HP:0001638. Inheritance: Various modes of inheritance.
Early-onset myopathy with fatal cardiomyopathy (CMYO5). Also called: Salih Myopathy; CONGENITAL MYOPATHY 5 WITH CARDIOMYOPATHY. Identifiers: Orphanet 289377, MedGen C2673677, MONDO:0012714, OMIM 611705. Disease mechanism: loss of function.
Myopathy, myofibrillar, 9, with early respiratory failure (MFM9). Also called: Hereditary myopathy with early respiratory failure; EDSTROM MYOPATHY; MYOPATHY, PROXIMAL, WITH EARLY RESPIRATORY MUSCLE INVOLVEMENT; Myopathy, distal, with early respiratory failure, autosomal dominant. Identifiers: Orphanet 178464, Orphanet 34521, MedGen C1863599, MONDO:0011362, OMIM 603689.
Tibial muscular dystrophy (TMD). Also called: UDD MYOPATHY; Udd Distal Myopathy – Tibial Muscular Dystrophy; Tibial muscular dystrophy, tardive. Identifiers: Orphanet 609, MedGen C1838244, MONDO:0010870, OMIM 600334.

Allele frequency attached by ClinVar (database versions not stated): gnomAD exomes 0.00053 and 0.00132; ExAC 0.00154; 1000 Genomes Project 30x 0.00344; 1000 Genomes Project 0.00379; gnomAD 0.00536 and 0.00585; TOPMed 0.00599; ESP Exome Variant Server 0.00634.
gnomAD v4.1: 1,606 of 1,613,328 alleles (0.1%); highest among the groups gnomAD compares: African/African-American, 1.9%; 14 homozygotes.

Submissions (25):

Labcorp Genetics (formerly Invitae), Labcorp
Classification: Benign for Dilated cardiomyopathy 1G; Autosomal recessive limb-girdle muscular dystrophy type 2J. Last evaluated: 2026-02-03. Review status: criteria provided, single submitter. Criteria: Invitae Variant Classification Sherloc (09022015). Collection method: clinical testing. Allele origin: germline.

ARUP Laboratories, Molecular Genetics and Genomics, ARUP Laboratories
Classification: Benign. Last evaluated: 2025-05-14. Review status: criteria provided, single submitter. Criteria: ARUP Molecular Germline Variant Investigation Process 2024. Collection method: clinical testing. Allele origin: germline.

Molecular Diagnostic Laboratory for Inherited Cardiovascular Disease, Montreal Heart Institute
Classification: Likely benign. Last evaluated: 2025-04-09. Review status: criteria provided, single submitter. Criteria: ACMG Guidelines, 2015. Collection method: clinical testing. Allele origin: germline. Affected: no.

Athena Diagnostics
Classification: Benign. Last evaluated: 2025-03-13. Review status: criteria provided, single submitter. Criteria: Athena Diagnostics Criteria. Collection method: clinical testing. Allele origin: unknown.
Comment: The frequency of this variant in the general population is higher than would generally be expected for pathogenic variants in this gene.

Mayo Clinic Laboratories, Mayo Clinic
Classification: Benign. Last evaluated: 2025-02-03. Review status: criteria provided, single submitter. Criteria: ACMG Guidelines, 2015. Collection method: clinical testing. Allele origin: germline. Observed: 10 variant alleles.
Comment: BS1, BS2

Blueprint Genetics
Classification: Likely benign. Last evaluated: 2024-11-26. Review status: criteria provided, single submitter. Criteria: ACMG Guidelines, 2015. Collection method: clinical testing. Allele origin: germline.

Genome-Nilou Lab
Classification: Benign for Autosomal recessive limb-girdle muscular dystrophy type 2J. Last evaluated: 2021-09-10. Review status: criteria provided, single submitter. Criteria: ACMG Guidelines, 2015. Collection method: clinical testing. Allele origin: germline. Affected: no.

Genome-Nilou Lab
Classification: Benign for Myopathy, myofibrillar, 9, with early respiratory failure. Last evaluated: 2021-09-10. Review status: criteria provided, single submitter. Criteria: ACMG Guidelines, 2015. Collection method: clinical testing. Allele origin: germline. Affected: no.

Genome-Nilou Lab
Classification: Benign for Early-onset myopathy with fatal cardiomyopathy. Last evaluated: 2021-09-10. Review status: criteria provided, single submitter. Criteria: ACMG Guidelines, 2015. Collection method: clinical testing. Allele origin: germline. Affected: no.

Genome-Nilou Lab
Classification: Benign for Tibial muscular dystrophy. Last evaluated: 2021-09-10. Review status: criteria provided, single submitter. Criteria: ACMG Guidelines, 2015. Collection method: clinical testing. Allele origin: germline. Affected: no.

Women's Health and Genetics/Laboratory Corporation of America, LabCorp
Classification: Likely benign. Last evaluated: 2020-04-12. Review status: criteria provided, single submitter. Criteria: LabCorp Variant Classification Summary - May 2015. Collection method: clinical testing. Allele origin: germline.

Center for Advanced Laboratory Medicine, UC San Diego Health, University of California San Diego
Classification: Benign for Cardiomyopathy. Last evaluated: 2019-04-17. Review status: criteria provided, single submitter. Criteria: ACMG Guidelines, 2015. Collection method: clinical testing. Allele origin: germline. Affected: yes. Observed: 1 variant allele.

Illumina Laboratory Services, Illumina
Classification: Likely benign for Dilated cardiomyopathy 1G. Last evaluated: 2018-01-13. Review status: criteria provided, single submitter. Criteria: ICSL Variant Classification Criteria 13 December 2019. Collection method: clinical testing. Allele origin: germline.
Comment: This variant was observed in the ICSL laboratory as part of a predisposition screen in an ostensibly healthy population. It had not been previously curated by ICSL or reported in the Human Gene Mutation Database (HGMD: prior to June 1st, 2018), and was therefore a candidate for classification through an automated scoring system. Utilizing variant allele frequency, disease prevalence and penetrance estimates, and inheritance mode, an automated score was calculated to assess if this variant is too frequent to cause the disease. Based on the score and internal cut-off values, a variant classified as likely benign is not then subjected to further curation. The score for this variant resulted in a classification of likely benign for this disease.

Illumina Laboratory Services, Illumina
Classification: Likely benign for Early-onset myopathy with fatal cardiomyopathy. Last evaluated: 2018-01-13. Review status: criteria provided, single submitter. Criteria: ICSL Variant Classification Criteria 13 December 2019. Collection method: clinical testing. Allele origin: germline.
Comment: the same text as in the submission from Illumina Laboratory Services, Illumina above.

Illumina Laboratory Services, Illumina
Classification: Benign for Myopathy, myofibrillar, 9, with early respiratory failure. Last evaluated: 2018-01-13. Review status: criteria provided, single submitter. Criteria: ICSL Variant Classification Criteria 13 December 2019. Collection method: clinical testing. Allele origin: germline.
Comment: This variant was observed in the ICSL laboratory as part of a predisposition screen in an ostensibly healthy population. It had not been previously curated by ICSL or reported in the Human Gene Mutation Database (HGMD: prior to June 1st, 2018), and was therefore a candidate for classification through an automated scoring system. Utilizing variant allele frequency, disease prevalence and penetrance estimates, and inheritance mode, an automated score was calculated to assess if this variant is too frequent to cause the disease. Based on the score and internal cut-off values, a variant classified as benign is not then subjected to further curation. The score for this variant resulted in a classification of benign for this disease.

Illumina Laboratory Services, Illumina
Classification: Likely benign for Autosomal recessive limb-girdle muscular dystrophy type 2J. Last evaluated: 2018-01-13. Review status: criteria provided, single submitter. Criteria: ICSL Variant Classification Criteria 13 December 2019. Collection method: clinical testing. Allele origin: germline.
Comment: the same text as in the submission from Illumina Laboratory Services, Illumina above.

Illumina Laboratory Services, Illumina
Classification: Benign for Tibial muscular dystrophy. Last evaluated: 2018-01-13. Review status: criteria provided, single submitter. Criteria: ICSL Variant Classification Criteria 13 December 2019. Collection method: clinical testing. Allele origin: germline.
Comment: the same text as in the submission from Illumina Laboratory Services, Illumina above.

CHEO Genetics Diagnostic Laboratory, Children's Hospital of Eastern Ontario
Classification: Benign for Cardiomyopathy. Last evaluated: 2017-08-15. Review status: criteria provided, single submitter. Criteria: ACMG Guidelines, 2015. Collection method: clinical testing. Allele origin: germline. Study: Canadian Open Genetics Repository.

GeneDx
Classification: Benign. Last evaluated: 2014-07-09. Review status: criteria provided, single submitter. Criteria: GeneDx Variant Classification (06012015). Collection method: clinical testing. Allele origin: germline. Affected: yes.
Comment: This variant is considered likely benign or benign based on one or more of the following criteria: it is a conservative change, it occurs at a poorly conserved position in the protein, it is predicted to be benign by multiple in silico algorithms, and/or has population frequency not consistent with disease.

Ambry Genetics
Classification: Benign for Cardiovascular phenotype. Last evaluated: 2013-03-01. Review status: criteria provided, single submitter. Criteria: Ambry Autosomal Dominant and X-Linked criteria (10/2015). Collection method: clinical testing. Allele origin: germline. Observed: 1 variant allele.

Laboratory for Molecular Medicine, Mass General Brigham Personalized Medicine
Classification: Benign. Last evaluated: 2012-03-02. Review status: criteria provided, single submitter. Criteria: LMM Criteria. Collection method: clinical testing. Allele origin: germline. Observed: 16 variant alleles.
Comment: Ala4753Thr in exon 58 of TTN: This variant is not expected to have clinical sign ificance because it has been identified in 2.0% (65/3204) of African American ch romosomes from a broad population by the NHLBI Exome Sequencing Project (dbSNP rs72648946).

Breakthrough Genomics
Classification: Likely benign. Review status: criteria provided, single submitter. Criteria: ACMG Guidelines, 2015. Collection method: not provided. Allele origin: germline. Inheritance: Autosomal recessive inheritance. Affected: yes.

PreventionGenetics, part of Exact Sciences
Classification: Benign for TTN-related condition. Last evaluated: 2019-07-15. Review status: no assertion criteria provided. Collection method: clinical testing. Allele origin: germline. Not counted in ClinVar's aggregate classification.
Comment: This variant is classified as benign based on ACMG/AMP sequence variant interpretation guidelines (Richards et al. 2015 PMID: 25741868, with internal and published modifications).

Clinical Genetics DNA and cytogenetics Diagnostics Lab, Erasmus MC, Erasmus Medical Center
Classification: Benign. Review status: no assertion criteria provided. Collection method: clinical testing. Allele origin: germline. Affected: yes. Study: VKGL Data-share Consensus. Not counted in ClinVar's aggregate classification.

Clinical Genetics, Academic Medical Center
Classification: Benign. Review status: no assertion criteria provided. Collection method: clinical testing. Allele origin: germline. Affected: yes. Study: VKGL Data-share Consensus. Not counted in ClinVar's aggregate classification.

NM_001267550.2(TTN):c.17989G>A (p.Ala5997Thr)

Gene: TTN (titin; minus strand). Cytogenetic location: 2q31.2.
Variant type: single nucleotide variant.
Coding change: c.17989G>A on transcript NM_001267550.2 (MANE Select); coding-DNA position 17989, G replaced by A.
Protein change: p.Ala5997Thr; replaces alanine 5997 with threonine.
Molecular consequence: missense variant. On other transcripts: intron variant (3).
Genome position (GRCh38, 1-based): chr2:178,730,544, C>T on the plus strand (G>A on the coding strand, the complement: TTN is on the minus strand). VCF-style: chr2-178730544-C-T. GRCh37 (hg19) VCF-style: chr2-179595271-C-T.
Other names: p.A5680T:GCA>ACA; c.13282+7538G>A (NM_003319.4); c.13858+7538G>A (NM_133437.4); c.13657+7538G>A (NM_133432.3); c.17989G>A (NM_001267550.1); c.17038G>A, p.Ala5680Thr (NM_001256850.1); c.14257G>A, p.Ala4753Thr (NM_133378.4); short protein forms A5997T, A4753T, A5680T.
Identifiers: ClinVar variation 46635 (VCV000046635.47), dbSNP rs72648946, ClinGen allele CA282711.